The following is an entry in ClinVar:

ClinVar aggregate classification (germline): Uncertain significance (1 of 4 stars; one submission).

Submission:

GeneDx
Classification: Uncertain significance. Last evaluated: 2025-12-09. Review status: criteria provided, single submitter. Criteria: GeneDx Variant Classification Process June 2021. Collection method: clinical testing. Allele origin: germline.
Comment: Has not been previously published as pathogenic or benign to our knowledge; Not observed at significant frequency in large population cohorts (gnomAD); In silico analysis supports that this missense variant has a deleterious effect on protein structure/function

NM_001372044.2(SHANK3):c.398C>G (p.Pro133Arg)

Gene: SHANK3 (SH3 and multiple ankyrin repeat domains 3; plus strand). Cytogenetic location: 22q13.33.
Variant type: single nucleotide variant.
Coding change: c.398C>G on transcript NM_001372044.2 (MANE Select); coding-DNA position 398, C replaced by G.
Protein change: p.Pro133Arg; replaces proline 133 with arginine.
Molecular consequence: missense variant.
Genome position (GRCh38, 1-based): chr22:50,675,157, C>G. VCF-style: chr22-50675157-C-G. GRCh37 (hg19) VCF-style: chr22-51113585-C-G.
Other names: c.173C>G (NM_033517.1); short protein forms P133R.
Identifiers: ClinVar variation 3902956 (VCV003902956.2).